The following is an entry in ClinVar:

ClinVar aggregate classification (germline): Likely benign (1 of 4 stars; one submission).

Allele frequency attached by ClinVar (database versions not stated): TOPMed 0.00011; gnomAD 0.00013; ExAC 0.00019; 1000 Genomes Project 30x 0.00047; 1000 Genomes Project 0.00060.
gnomAD v4.1: 132 of 1,614,106 alleles (0.0082%); highest among the groups gnomAD compares: East Asian, 0.22%; no homozygotes.

Submission:

CeGaT Center for Human Genetics Tuebingen
Classification: Likely benign. Last evaluated: 2022-03-01. Review status: criteria provided, single submitter. Criteria: CeGaT Center For Human Genetics Tuebingen Variant Classification Criteria Version 2. Collection method: clinical testing. Allele origin: germline. Affected: yes. Observed: 1 variant allele.
Comment: CFAP53: BP4, BP7

NM_145020.5(CFAP53):c.93A>G (p.Gln31=)

Gene: CFAP53 (cilia and flagella associated protein 53; minus strand). Cytogenetic location: 18q21.1.
Variant type: single nucleotide variant.
Coding change: c.93A>G on transcript NM_145020.5 (MANE Select); coding-DNA position 93, A replaced by G.
Protein change: p.Gln31=; no amino-acid change (glutamine 31 retained).
Molecular consequence: synonymous variant.
Genome position (GRCh38, 1-based): chr18:50,262,196, T>C on the plus strand (A>G on the coding strand, the complement: CFAP53 is on the minus strand). VCF-style: chr18-50262196-T-C. GRCh37 (hg19) VCF-style: chr18-47788566-T-C.
Identifiers: ClinVar variation 2648717 (VCV002648717.24), dbSNP rs3744849, ClinGen allele CA8962511.